The following is an entry in ClinVar:

NR_003137.3(RNU4-2):n.119A>G

Genes: RNU4-2 (RNA, U4 small nuclear 2; minus strand), SIRT4 (sirtuin 4; plus strand). Cytogenetic location: 12q24.23.
Variant type: single nucleotide variant.
Molecular consequence: non-coding transcript variant (on NR_003137.3).
Genome position: GRCh38 VCF-style: chr12-120291785-T-C. GRCh37 (hg19) VCF-style: chr12-120729588-T-C.
Identifiers: ClinVar variation 4795804 (VCV004795804.1).

ClinVar aggregate classification (germline): Pathogenic (1 of 4 stars; one submission).

Conditions:
Neurodevelopmental disorder with hypotonia, brain anomalies, distinctive facies, and absent language. Also called: ReNU SYNDROME; RNU4-2-Related Neurodevelopmental Disorder; RNU4-2–Related Autosomal Dominant Neurodevelopmental Disorder. Identifiers: Orphanet 686488, MedGen C5935628, MONDO:0971172, OMIM 620851.

gnomAD v4.1: 8 of 152,194 alleles (0.0053%); highest among the groups gnomAD compares: African/African-American, 0.0097%; no homozygotes.

Submission:

Centre for Population Genomics, CPG
Classification: Pathogenic for RNU4-2-Related Neurodevelopmental Disorder. Last evaluated: 2026-02-11. Review status: criteria provided, single submitter. Criteria: Ellingford et al. (Genome Med. 2022). Collection method: research. Allele origin: germline. Inheritance: Autosomal recessive inheritance. Affected: yes. Observed: 5 variant alleles, 3 compound heterozygotes, 2 homozygotes.
Comment: PM2_supp,PM2_supp,PS3_supp,PM1,PM5,PM3_strong,PP4